The following is an entry in ClinVar:

NM_182760.4(SUMF1):c.890A>G (p.Asn297Ser)

Gene: SUMF1 (sulfatase modifying factor 1; minus strand). Cytogenetic location: 3p26.1.
Variant type: single nucleotide variant.
Coding change: c.890A>G on transcript NM_182760.4 (MANE Select); coding-DNA position 890, A replaced by G.
Protein change: p.Asn297Ser; replaces asparagine 297 with serine.
Molecular consequence: missense variant.
Genome position (GRCh38, 1-based): chr3:4,410,929, T>C on the plus strand (A>G on the coding strand, the complement: SUMF1 is on the minus strand). VCF-style: chr3-4410929-T-C. GRCh37 (hg19) VCF-style: chr3-4452613-T-C.
Other names: c.815A>G, p.Asn272Ser (NM_001164674.2); c.890A>G, p.Asn297Ser (NM_001164675.2); short protein forms N272S, N297S.
Identifiers: ClinVar variation 3362858 (VCV003362858.3).

ClinVar aggregate classification (germline): Uncertain significance (1 of 4 stars; one submission).

Conditions:
Multiple sulfatase deficiency (MSD). Also called: Mucosulfatidosis; Multiple Sulfatase Deficiency Disease; Sulfatidosis, Juvenile, Austin Type. Identifiers: Orphanet 585, MedGen C0268263, MONDO:0010088, OMIM 272200.

Submission:

Neuberg Centre For Genomic Medicine, NCGM
Classification: Uncertain significance for Multiple sulfatase deficiency. Review status: criteria provided, single submitter. Criteria: ACMG Guidelines, 2015. Collection method: clinical testing. Allele origin: germline. Inheritance: Autosomal recessive inheritance. Affected: yes.
Comment: The observed missense c.890A>G(p.Asn297Ser) variant in SUMF1 gene has not been reported previously as a pathogenic variant nor as a benign variant, to our knowledge. The p.Asn297Ser variant is absent in gnomAD Exomes database. This variant has not been submitted to the ClinVar database. Multiple lines of computational evidence (Polyphen - probably damaging , SIFT - damaging and MutationTaster - disease causing) predict a damaging effect on protein structure and function for this variant. The amino acid change p.Asn297Ser in SUMF1 is predicted as conserved by GERP++ and PhyloP across 100 vertebrates. The amino acid Asn at position 297 is changed to a Ser changing protein sequence and it might alter its composition and physico-chemical properties. For these reasons, this variant has been classified as Uncertain Significance (VUS).